The following is an entry in ClinVar:

NM_015057.5(MYCBP2):c.6227A>G (p.Asn2076Ser)

Gene: MYCBP2 (MYC binding protein 2; minus strand). Cytogenetic location: 13q22.3.
Variant type: single nucleotide variant.
Coding change: c.6227A>G on transcript NM_015057.5 (MANE Select); coding-DNA position 6227, A replaced by G.
Protein change: p.Asn2076Ser; replaces asparagine 2076 with serine.
Molecular consequence: missense variant.
Genome position (GRCh38, 1-based): chr13:77,166,442, T>C on the plus strand (A>G on the coding strand, the complement: MYCBP2 is on the minus strand). VCF-style: chr13-77166442-T-C. GRCh37 (hg19) VCF-style: chr13-77740577-T-C.
Other names: short protein forms N2076S.
Identifiers: ClinVar variation 3049359 (VCV003049359.2), dbSNP rs111642157, ClinGen allele CA7009291.

ClinVar aggregate classification (germline): Likely benign (0 of 4 stars; one submission).

Conditions:
MYCBP2-related disorder. Also called: MYCBP2-related condition.

Allele frequency attached by ClinVar (database versions not stated): gnomAD exomes 0.00105; ExAC 0.00180; gnomAD 0.00247; ESP Exome Variant Server 0.00254; TOPMed 0.00308; 1000 Genomes Project 0.00319; 1000 Genomes Project 30x 0.00344.
gnomAD v4.1: 2,018 of 1,614,030 alleles (0.13%); highest among the groups gnomAD compares: Middle Eastern, 0.97%; 12 homozygotes.

Submission:

PreventionGenetics, part of Exact Sciences
Classification: Likely benign for MYCBP2-related condition. Last evaluated: 2019-02-20. Review status: no assertion criteria provided. Collection method: clinical testing. Allele origin: germline.
Comment: This variant is classified as likely benign based on ACMG/AMP sequence variant interpretation guidelines (Richards et al. 2015 PMID: 25741868, with internal and published modifications).